The following is an entry in ClinVar:

NM_007375.4(TARDBP):c.543+9G>A

Gene: TARDBP (TAR DNA binding protein; plus strand). Cytogenetic location: 1p36.22.
Variant type: single nucleotide variant.
Coding change: c.543+9G>A on transcript NM_007375.4 (MANE Select); 9 bases into the intron after coding-DNA position 543, G replaced by A.
Molecular consequence: intron variant.
Genome position (GRCh38, 1-based): chr1:11,018,882, G>A. VCF-style: chr1-11018882-G-A. GRCh37 (hg19) VCF-style: chr1-11078939-G-A.
Identifiers: ClinVar variation 1631704 (VCV001631704.9), dbSNP rs370342366, ClinGen allele CA586385.

ClinVar aggregate classification (germline): Likely benign. Review status: criteria provided, multiple submitters, no conflicts (2 of 4 stars). 2 submissions from 2 submitters: Likely benign (2). Last evaluated 2025-06-13.

Conditions:
FRONTOTEMPORAL LOBAR DEGENERATION WITH TDP43 INCLUSIONS, TARDBP-RELATED. Also called: Frontotemporal lobar degeneration, TARDBP-related. Identifiers: MedGen C3150169, OMIM 612069.
Amyotrophic lateral sclerosis type 10 (ALS10). Also called: TARDBP-Related Amyotrophic Lateral Sclerosis-Frontotemporal Dementia; Amyotrophic lateral sclerosis 10, with or without FTD; AMYOTROPHIC LATERAL SCLEROSIS 10 WITHOUT FRONTOTEMPORAL DEMENTIA AND WITH TDP43 INCLUSIONS; AMYOTROPHIC LATERAL SCLEROSIS 10 WITH OR WITHOUT FRONTOTEMPORAL DEMENTIA AND WITH TDP43 INCLUSIONS; AMYOTROPHIC LATERAL SCLEROSIS 10 WITH OR WITHOUT FRONTOTEMPORAL DEMENTIA. Identifiers: Orphanet 275872, Orphanet 803, MedGen C2677565, MONDO:0012790, OMIM 612069.

Allele frequency attached by ClinVar (database versions not stated): ExAC 0.00001; gnomAD exomes 0.00001; ESP Exome Variant Server 0.00015; 1000 Genomes Project 30x 0.00016.
gnomAD v4.1: 48 of 1,613,986 alleles (0.003%); highest among the groups gnomAD compares: African/African-American, 0.02%; no homozygotes.

Submissions (2):

Women's Health and Genetics/Laboratory Corporation of America, LabCorp
Classification: Likely benign. Last evaluated: 2025-06-13. Review status: criteria provided, single submitter. Criteria: LabCorp Variant Classification Summary - May 2015. Collection method: clinical testing. Allele origin: germline.
Comment: Variant summary: TARDBP c.543+9G>A alters a nucleotide located at a position not widely known to affect splicing. Consensus agreement among computation tools predict no significant impact on normal splicing. However, these predictions have yet to be confirmed by functional studies. The variant allele was found at a frequency of 1.2e-05 in 249984 control chromosomes (gnomAD). The available data on variant occurrences in the general population are insufficient to allow any conclusion about variant significance. To our knowledge, no occurrence of c.543+9G>A in individuals affected with Amyotrophic Lateral Sclerosis Type 10 and no experimental evidence demonstrating its impact on protein function have been reported. ClinVar contains an entry for this variant (Variation ID: 1631704). Based on the evidence outlined above, the variant was classified as likely benign.

Labcorp Genetics (formerly Invitae), Labcorp
Classification: Likely benign for Amyotrophic lateral sclerosis type 10; FRONTOTEMPORAL LOBAR DEGENERATION WITH TDP43 INCLUSIONS, TARDBP-RELATED. Last evaluated: 2023-05-20. Review status: criteria provided, single submitter. Criteria: Invitae Variant Classification Sherloc (09022015). Collection method: clinical testing. Allele origin: germline.